The following is an entry in ClinVar:

ClinVar aggregate classification (germline): Uncertain significance (1 of 4 stars; one submission).

Conditions:
Schimke immuno-osseous dysplasia (SIOD). Also called: Schimke Immunoosseous Dysplasia. Identifiers: Orphanet 1830, MedGen C0877024, MONDO:0009458, OMIM 242900.

Allele frequency attached by ClinVar (database versions not stated): TOPMed below 0.00001; gnomAD 0.00001; gnomAD exomes 0.00002 and 0.00004; ExAC 0.00005.
gnomAD v4.1: 28 of 1,614,138 alleles (0.0017%); highest among the groups gnomAD compares: South Asian, 0.029%; no homozygotes.

Submission:

Labcorp Genetics (formerly Invitae), Labcorp
Classification: Uncertain significance for Schimke immuno-osseous dysplasia. Last evaluated: 2022-02-10. Review status: criteria provided, single submitter. Criteria: Invitae Variant Classification Sherloc (09022015). Collection method: clinical testing. Allele origin: germline.
Comment: This sequence change replaces serine, which is neutral and polar, with phenylalanine, which is neutral and non-polar, at codon 205 of the SMARCAL1 protein (p.Ser205Phe). This variant is present in population databases (rs768737511, gnomAD 0.03%). This variant has not been reported in the literature in individuals affected with SMARCAL1-related conditions. Algorithms developed to predict the effect of missense changes on protein structure and function are either unavailable or do not agree on the potential impact of this missense change (SIFT: "Deleterious"; PolyPhen-2: "Possibly Damaging"; Align-GVGD: "Class C0"). In summary, the available evidence is currently insufficient to determine the role of this variant in disease. Therefore, it has been classified as a Variant of Uncertain Significance.

NM_014140.4(SMARCAL1):c.614C>T (p.Ser205Phe)

Gene: SMARCAL1 (SNF2 related chromatin remodeling annealing helicase 1; plus strand). Cytogenetic location: 2q35.
Variant type: single nucleotide variant.
Coding change: c.614C>T on transcript NM_014140.4 (MANE Select); coding-DNA position 614, C replaced by T.
Protein change: p.Ser205Phe; replaces serine 205 with phenylalanine.
Molecular consequence: missense variant.
Genome position (GRCh38, 1-based): chr2:216,415,318, C>T. VCF-style: chr2-216415318-C-T. GRCh37 (hg19) VCF-style: chr2-217280041-C-T.
Other names: c.614C>T, p.Ser205Phe (NM_001127207.2); short protein forms S205F.
Identifiers: ClinVar variation 1500489 (VCV001500489.5), dbSNP rs768737511, ClinGen allele CA2097623.
Genomic context (GRCh38, chr2:216,415,318, plus strand): 5'-CCAGGGATGCTAAGTTAGAGGCCAAGACAGCAAAAGCCTCCCCTTCGGGGCAGAACATTT[C>T]TTACATCCATTCTAGCTCAGAGAGTGTAACGCCCAGGACAGAAGGAAGACTCCAGCAGAA-3'
Protein context (NP_054859.2, residues 195-215): AKASPSGQNI[Ser205Phe]YIHSSSESVT